The following is an entry in ClinVar:

NM_018109.3(MTPAP):c.-104C>T

Gene: MTPAP (mitochondrial poly(A) polymerase; minus strand). Cytogenetic location: 10p11.23.
Variant type: single nucleotide variant.
Coding change: c.-104C>T on transcript NM_018109.3; 104 bases upstream of the start codon, C replaced by T.
Genome position (GRCh38, 1-based): chr10:30,349,379, G>A on the plus strand (C>T on the coding strand, the complement: MTPAP is on the minus strand). VCF-style: chr10-30349379-G-A. GRCh37 (hg19) VCF-style: chr10-30638308-G-A.
Identifiers: ClinVar variation 671781 (VCV000671781.4), dbSNP rs11815219, ClinGen allele CA205290899.
Genomic context (GRCh38, chr10:30,349,379, plus strand): 5'-TGAAAGGTCAGCGCGTTTTCGCGCATGCGTCGGGGGGGAGGGGGGGGGCAAAAGAAATGG[G>A]AAGCCTCGAGGGTCAAACTAGGCGAAAGAAGTTCGCTTTTAGAGGAAGAGAGGAAATTGA-3'

ClinVar aggregate classification (germline): Benign. Review status: criteria provided, multiple submitters, no conflicts (2 of 4 stars). 2 submissions from 2 submitters: Benign (2). Last evaluated 2018-06-14.

Allele frequency attached by ClinVar (database versions not stated): gnomAD exomes 0.05297; gnomAD 0.07429; 1000 Genomes Project 30x 0.21705; 1000 Genomes Project 0.23602.

Submissions (2):

GeneDx
Classification: Benign. Last evaluated: 2018-06-14. Review status: criteria provided, single submitter. Criteria: GeneDx Variant Classification (06012015). Collection method: clinical testing. Allele origin: germline. Affected: yes.
Comment: This variant is considered likely benign or benign based on one or more of the following criteria: it is a conservative change, it occurs at a poorly conserved position in the protein, it is predicted to be benign by multiple in silico algorithms, and/or has population frequency not consistent with disease.

Breakthrough Genomics
Classification: Benign. Review status: criteria provided, single submitter. Criteria: ACMG Guidelines, 2015. Collection method: not provided. Allele origin: germline. Inheritance: Autosomal recessive inheritance. Affected: yes.